The following is an entry in ClinVar:

NM_000059.4(BRCA2):c.8203C>T (p.Pro2735Ser)

Gene: BRCA2 (BRCA2 DNA repair associated; plus strand). Cytogenetic location: 13q13.1.
Variant type: single nucleotide variant.
Coding change: c.8203C>T on transcript NM_000059.4 (MANE Select); coding-DNA position 8203, C replaced by T.
Protein change: p.Pro2735Ser; replaces proline 2735 with serine.
Molecular consequence: missense variant.
Genome position (GRCh38, 1-based): chr13:32,363,405, C>T. VCF-style: chr13-32363405-C-T. GRCh37 (hg19) VCF-style: chr13-32937542-C-T.
Other names: short protein forms P2735S.
Identifiers: ClinVar variation 827502 (VCV000827502.6), dbSNP rs1247198934, ClinGen allele CA387749745.

ClinVar aggregate classification (germline): Uncertain significance (1 of 4 stars; one submission).

Conditions:
Hereditary cancer-predisposing syndrome. Also called: Neoplastic Syndromes, Hereditary; Tumor predisposition; Hereditary neoplastic syndrome; Hereditary Cancer Syndrome. Identifiers: Orphanet 140162, MedGen C0027672, MeSH D009386, MONDO:0015356.

Allele frequency attached by ClinVar (database versions not stated): gnomAD 0.00001.
gnomAD v4.1: 1 of 1,614,030 alleles (0.000062%); highest among the groups gnomAD compares: Admixed American, 0.0017%; no homozygotes.

Submission:

Ambry Genetics
Classification: Uncertain significance for Hereditary cancer-predisposing syndrome. Last evaluated: 2025-09-04. Review status: criteria provided, single submitter. Criteria: Ambry Variant Classification Scheme 2023. Collection method: clinical testing. Allele origin: germline.
Comment: The p.P2735S variant (also known as c.8203C>T), located in coding exon 17 of the BRCA2 gene, results from a C to T substitution at nucleotide position 8203. The proline at codon 2735 is replaced by serine, an amino acid with similar properties. The results from two saturation genome editing-based studies, including a haploid cell-survival assay and a humanized mouse embryonic stem cell line assay of drug response and survival, are discordant for this nucleotide substitution (Huang H et al. Nature. 2025 Feb;638(8050):528-537; Sahu S et al. Nature. 2025 Feb;638(8050):538-545). This amino acid position is well conserved in available vertebrate species. In addition, the in silico prediction for this alteration is inconclusive. Based on the available evidence, the clinical significance of this variant remains unclear.

Literature cited by the submitters: PubMed 39779848; PubMed 39779857.